The following is an entry in ClinVar:

ClinVar aggregate classification (germline): Likely benign (1 of 4 stars; one submission).

gnomAD v4.1: 247 of 1,610,434 alleles (0.015%); highest among the groups gnomAD compares: African/African-American, 0.29%; no homozygotes.

Submission:

CeGaT Center for Human Genetics Tuebingen
Classification: Likely benign. Last evaluated: 2026-09-01. Review status: criteria provided, single submitter. Criteria: CeGaT Center For Human Genetics Tuebingen Variant Classification Criteria Version 2. Collection method: clinical testing. Allele origin: germline. Affected: yes. Observed: 4 variant alleles.
Comment: DYNC1H1: BS1

NM_001376.5(DYNC1H1):c.13813-104C>T

Gene: DYNC1H1 (dynein cytoplasmic 1 heavy chain 1; plus strand). Cytogenetic location: 14q32.31.
Variant type: single nucleotide variant.
Coding change: c.13813-104C>T on transcript NM_001376.5 (MANE Select); 104 bases into the intron before coding-DNA position 13813, C replaced by T.
Molecular consequence: intron variant.
Genome position (GRCh38, 1-based): chr14:102,050,331, C>T. VCF-style: chr14-102050331-C-T. GRCh37 (hg19) VCF-style: chr14-102516668-C-T.
Identifiers: ClinVar variation 4084937 (VCV004084937.8).
Genomic context (GRCh38, chr14:102,050,331, plus strand): 5'-TCTATGCCTGGGTTCCACTTGGAACGGGAAATGAGGTTCACAGAGGAAATCCATTTCGCA[C>T]CTGTCCAAACCTCTCCTTGCCGGGCCCCATCAGCTGTCCCGGGCAGTCTTCCAGTTTTCT-3'